The following is an entry in ClinVar:

NM_001287491.2(TET3):c.5320G>T (p.Asp1774Tyr)

Gene: TET3 (tet methylcytosine dioxygenase 3; plus strand). Cytogenetic location: 2p13.1.
Variant type: single nucleotide variant.
Coding change: c.5320G>T on transcript NM_001287491.2 (MANE Select); coding-DNA position 5320, G replaced by T.
Protein change: p.Asp1774Tyr; replaces aspartic acid 1774 with tyrosine.
Molecular consequence: missense variant.
Genome position (GRCh38, 1-based): chr2:74,102,108, G>T. VCF-style: chr2-74102108-G-T. GRCh37 (hg19) VCF-style: chr2-74329235-G-T.
Other names: c.5041G>T, p.Asp1681Tyr (NM_001366022.1); c.4915G>T, p.Asp1639Tyr (NM_144993.1); c.5320G>T (NM_001287491.1); short protein forms D1639Y, D1681Y, D1774Y.
Identifiers: ClinVar variation 2437045 (VCV002437045.5), dbSNP rs745931163, ClinGen allele CA1719395.

ClinVar aggregate classification (germline): Uncertain significance. Review status: criteria provided, multiple submitters, no conflicts (2 of 4 stars). 2 submissions from 2 submitters: Uncertain significance (2). Last evaluated 2025-12-05.

Conditions:
Beck-Fahrner syndrome (BEFAHRS). Identifiers: Orphanet 684216, MedGen C5394097, MONDO:0032922, OMIM 618798.

Allele frequency attached by ClinVar (database versions not stated): gnomAD 0.00001; TOPMed 0.00002.
gnomAD v4.1: 14 of 1,495,532 alleles (0.00094%); highest among the groups gnomAD compares: Middle Eastern, 0.036%; no homozygotes.

Submissions (2):

GeneDx
Classification: Uncertain significance. Last evaluated: 2025-12-05. Review status: criteria provided, single submitter. Criteria: GeneDx Variant Classification Process June 2021. Collection method: clinical testing. Allele origin: germline.
Comment: Not observed at significant frequency in large population cohorts (gnomAD); In silico analysis supports that this missense variant has a deleterious effect on protein structure/function; Has not been previously published as pathogenic or benign to our knowledge

Revvity Omics, Revvity
Classification: Uncertain significance for Beck-Fahrner syndrome. Last evaluated: 2022-10-27. Review status: criteria provided, single submitter. Criteria: ACMG Guidelines, 2015. Collection method: clinical testing. Allele origin: germline.